The following is an entry in ClinVar:

ClinVar aggregate classification (germline): Uncertain significance. Review status: criteria provided, multiple submitters, no conflicts (2 of 4 stars). 2 submissions from 2 submitters: Uncertain significance (2). Last evaluated 2024-05-01.

Submissions (2):

GeneDx
Classification: Uncertain significance. Last evaluated: 2024-05-01. Review status: criteria provided, single submitter. Criteria: GeneDx Variant Classification Process June 2021. Collection method: clinical testing. Allele origin: germline. Affected: yes.
Comment: Not observed at significant frequency in large population cohorts (gnomAD); In silico analysis supports that this missense variant has a deleterious effect on protein structure/function; Has not been previously published as pathogenic or benign to our knowledge

Labcorp Genetics (formerly Invitae), Labcorp
Classification: Uncertain significance. Last evaluated: 2023-08-11. Review status: criteria provided, single submitter. Criteria: Invitae Variant Classification Sherloc (09022015). Collection method: clinical testing. Allele origin: germline.
Comment: This sequence change replaces leucine, which is neutral and non-polar, with phenylalanine, which is neutral and non-polar, at codon 313 of the DDX3X protein (p.Leu313Phe). This variant is not present in population databases (gnomAD no frequency). This variant has not been reported in the literature in individuals affected with DDX3X-related conditions. Experimental studies and prediction algorithms are not available or were not evaluated, and the functional significance of this variant is currently unknown. In summary, the available evidence is currently insufficient to determine the role of this variant in disease. Therefore, it has been classified as a Variant of Uncertain Significance.

NM_001356.5(DDX3X):c.939G>C (p.Leu313Phe)

Gene: DDX3X (DEAD-box helicase 3 X-linked; plus strand). Cytogenetic location: Xp11.4.
Variant type: single nucleotide variant.
Coding change: c.939G>C on transcript NM_001356.5 (MANE Select); coding-DNA position 939, G replaced by C.
Protein change: p.Leu313Phe; replaces leucine 313 with phenylalanine.
Molecular consequence: missense variant. On other transcripts: non-coding transcript variant (1).
Genome position (GRCh38, 1-based): chrX:41,344,313, G>C. VCF-style: chrX-41344313-G-C. GRCh37 (hg19) VCF-style: chrX-41203566-G-C.
Other names: c.939G>C, p.Leu313Phe (NM_001193416.3); c.891G>C, p.Leu297Phe (NM_001193417.3); c.381G>C, p.Leu127Phe (NM_001363819.1); c.939G>C (NM_001193416.1); short protein forms L127F, L297F, L313F.
Identifiers: ClinVar variation 2746476 (VCV002746476.4), dbSNP rs1420906419, ClinGen allele CA412770975.